The following is an entry in ClinVar:

ClinVar aggregate classification (germline): Pathogenic/Likely pathogenic. Review status: criteria provided, multiple submitters, no conflicts (2 of 4 stars). 2 submissions from 2 submitters: Pathogenic (1); Likely pathogenic (1). Last evaluated 2025-09-01.

Conditions:
Hereditary spastic paraplegia 11. Also called: Spastic Paraplegia 11; Nakamura Osame syndrome; Autosomal recessive hereditary spastic paraplegia, mental impairment, and thin corpus callosum; Spastic paraplegia, mental retardation and thin corpus callosum; SPASTIC PARAPLEGIA, AUTOSOMAL RECESSIVE, COMPLICATED, WITH THIN CORPUS CALLOSUM; SPASTIC PARAPLEGIA, AUTOSOMAL RECESSIVE, WITH MENTAL IMPAIRMENT AND THIN CORPUS CALLOSUM. Identifiers: Orphanet 2822, MedGen C1858479, MONDO:0011445, OMIM 604360.

Submissions (2):

Labcorp Genetics (formerly Invitae), Labcorp
Classification: Pathogenic for Hereditary spastic paraplegia 11. Last evaluated: 2025-09-01. Review status: criteria provided, single submitter. Criteria: Invitae Variant Classification Sherloc (09022015). Collection method: clinical testing. Allele origin: germline.
Comment: This sequence change creates a premature translational stop signal (p.Ala10Glnfs*49) in the SPG11 gene. It is expected to result in an absent or disrupted protein product. Loss-of-function variants in SPG11 are known to be pathogenic (PMID: 19105190, 20110243, 22154821, 26556829). This variant is not present in population databases (gnomAD no frequency). This variant has not been reported in the literature in individuals affected with SPG11-related conditions. ClinVar contains an entry for this variant (Variation ID: 817645). For these reasons, this variant has been classified as Pathogenic.

GeneDx
Classification: Likely pathogenic. Last evaluated: 2017-07-21. Review status: criteria provided, single submitter. Criteria: GeneDx Variant Classification (06012015). Collection method: clinical testing. Allele origin: germline. Affected: yes.
Comment: The c.27_28insCA variant has not been published as a pathogenic variant, nor has it been reported as a benign variant to our knowledge. The c.27_28insCA variant is not observed in large population cohorts (Lek et al., 2016; 1000 Genomes Consortium et al., 2015; Exome Variant Server). The c.27_28insCA variant in the SPG11 gene causes a frameshift starting with codon Alanine 10, changes this amino acid to a Glutamine residue and creates a premature Stop codon at position 49 of the new reading frame, denoted p.A10QfsX49. This variant is predicted to cause loss of normal protein function either through protein truncation or nonsense-mediated mRNA decay. Therefore, this variant is likely pathogenic; however, the possibility that it is benign cannot be excluded.

Literature cited by the submitters: PubMed 19105190 (cited by Labcorp Genetics (formerly Invitae), Labcorp); PubMed 20110243 (cited by Labcorp Genetics (formerly Invitae), Labcorp); PubMed 22154821 (cited by Labcorp Genetics (formerly Invitae), Labcorp); PubMed 26556829 (cited by Labcorp Genetics (formerly Invitae), Labcorp).

NM_025137.4(SPG11):c.27_28insCA (p.Ala10fs)

Gene: SPG11 (SPG11 vesicle trafficking associated, spatacsin; minus strand). Cytogenetic location: 15q21.1.
Variant type: Insertion.
Coding change: c.27_28insCA on transcript NM_025137.4 (MANE Select); coding-DNA positions 27 to 28, CA inserted.
Protein change: p.Ala10fs; shifts the reading frame from alanine 10.
Molecular consequence: frameshift variant.
Genome position: GRCh38 VCF-style: chr15-44663620-C-CTG. GRCh37 (hg19) VCF-style: chr15-44955818-C-CTG.
Other names: c.27_28insCA, p.Ala10fs (NM_001160227.2); short protein forms A10fs.
Identifiers: ClinVar variation 817645 (VCV000817645.2), dbSNP rs1595945569, ClinGen allele CA915946658.
Genomic context (GRCh38, chr15:44,663,620, plus strand): 5'-ACAGCATCGGTAGAACCCGCCCCATGGCCGCGGTGCCCCAGCTACCGCCGGCGGAAGCAG[C>CTG]ACTCGCGACCCCTTCCTCTGCAGCCATCTTGGCCCGGCGGTTACTTCCGGTCACTTTCGC-3'